The following is an entry in ClinVar:

ClinVar aggregate classification (germline): Uncertain significance (1 of 4 stars; one submission).

Conditions:
Inborn genetic diseases. Identifiers: MedGen C0950123, MeSH D030342.

Allele frequency attached by ClinVar (database versions not stated): gnomAD 0.00001.

Submission:

Ambry Genetics
Classification: Uncertain significance for Inborn genetic diseases. Last evaluated: 2018-06-12. Review status: criteria provided, single submitter. Criteria: Ambry Variant Classification Scheme 2023. Collection method: clinical testing. Allele origin: germline.
Comment: The p.V87L variant (also known as c.259G>T), located in coding exon 3 of the CHRNA4 gene, results from a G to T substitution at nucleotide position 259. The valine at codon 87 is replaced by leucine, an amino acid with highly similar properties. This amino acid position is highly conserved in available vertebrate species. In addition, the in silico prediction for this alteration is inconclusive. Since supporting evidence is limited at this time, the clinical significance of this alteration remains unclear.

NM_000744.7(CHRNA4):c.259G>T (p.Val87Leu)

Genes: CHRNA4 (cholinergic receptor nicotinic alpha 4 subunit; minus strand), LOC126863087 (P300/CBP strongly-dependent group 1 enhancer GRCh37_chr20:61986832-61988031; plus strand). Cytogenetic location: 20q13.33.
Variant type: single nucleotide variant.
Coding change: c.259G>T on transcript NM_000744.7 (MANE Select); coding-DNA position 259, G replaced by T.
Protein change: p.Val87Leu; replaces valine 87 with leucine.
Molecular consequence: missense variant. On other transcripts: 5 prime UTR variant (1), non-coding transcript variant (1).
Genome position (GRCh38, 1-based): chr20:63,356,385, C>A on the plus strand (G>T on the coding strand, the complement: CHRNA4 is on the minus strand). VCF-style: chr20-63356385-C-A. GRCh37 (hg19) VCF-style: chr20-61987737-C-A.
Other names: c.-288G>T (NM_001256573.2); short protein forms V87L.
Identifiers: ClinVar variation 1793622 (VCV001793622.2), dbSNP rs780927117, ClinGen allele CA409641458.
Genomic context (GRCh38, chr20:63,356,385, plus strand): 5'-TGTGGGGGAGGGCAGGGGTGGGGCAGGGCAGTGCCCTCCCACTCACCTGCTTCACCCATA[C>A]GTTCGTGGTCATCATCTGGTTCTTCTCATCCTAGGGCACCGAGAGAGGAAGGGGGCCAGT-3'
Protein context (NP_000735.1, residues 77-97): DEKNQMMTTN[Val87Leu]WVKQEWHDYK